The following is an entry in ClinVar:

NM_020975.6(RET):c.125T>C (p.Val42Ala)

Gene: RET (ret proto-oncogene; plus strand). Cytogenetic location: 10q11.21.
Variant type: single nucleotide variant.
Coding change: c.125T>C on transcript NM_020975.6 (MANE Select); coding-DNA position 125, T replaced by C.
Protein change: p.Val42Ala; replaces valine 42 with alanine.
Molecular consequence: missense variant.
Genome position (GRCh38, 1-based): chr10:43,100,510, T>C. VCF-style: chr10-43100510-T-C. GRCh37 (hg19) VCF-style: chr10-43595958-T-C.
Other names: c.125T>C, p.Val42Ala (NM_000323.2, NM_001406743.1, NM_001406744.1 and 34 more transcripts); short protein forms V42A.
Identifiers: ClinVar variation 1502569 (VCV001502569.9), dbSNP rs773375434, ClinGen allele CA032341.

ClinVar aggregate classification (germline): Uncertain significance. Review status: criteria provided, multiple submitters, no conflicts (2 of 4 stars). 3 submissions from 3 submitters: Uncertain significance (3). Last evaluated 2025-07-18.

Conditions:
Hereditary cancer-predisposing syndrome. Also called: Hereditary neoplastic syndrome; Tumor predisposition; Neoplastic Syndromes, Hereditary; Hereditary Cancer Syndrome. Identifiers: Orphanet 140162, MedGen C0027672, MeSH D009386, MONDO:0015356.
Multiple endocrine neoplasia, type 2 (MEN2). Identifiers: Orphanet 653, MedGen C4048306, MONDO:0019003. Disease mechanism: gain of function.

Allele frequency attached by ClinVar (database versions not stated): gnomAD exomes 0.00001; ExAC 0.00002; gnomAD 0.00002; TOPMed 0.00003.
gnomAD v4.1: 7 of 1,613,736 alleles (0.00043%); highest among the groups gnomAD compares: Admixed American, 0.0017%; no homozygotes.

Submissions (3):

Ambry Genetics
Classification: Uncertain significance for Hereditary cancer-predisposing syndrome. Last evaluated: 2025-07-18. Review status: criteria provided, single submitter. Criteria: Ambry Variant Classification Scheme 2023. Collection method: clinical testing. Allele origin: germline.
Comment: The p.V42A variant (also known as c.125T>C), located in coding exon 2 of the RET gene, results from a T to C substitution at nucleotide position 125. The valine at codon 42 is replaced by alanine, an amino acid with similar properties. This amino acid position is well conserved in available vertebrate species. In addition, this alteration is predicted to be tolerated by in silico analysis. Based on the available evidence, the clinical significance of this variant remains unclear.

Labcorp Genetics (formerly Invitae), Labcorp
Classification: Uncertain significance for Multiple endocrine neoplasia, type 2. Last evaluated: 2024-05-05. Review status: criteria provided, single submitter. Criteria: Invitae Variant Classification Sherloc (09022015). Collection method: clinical testing. Allele origin: germline.
Comment: This sequence change replaces valine, which is neutral and non-polar, with alanine, which is neutral and non-polar, at codon 42 of the RET protein (p.Val42Ala). This variant is present in population databases (rs773375434, gnomAD 0.002%). This variant has not been reported in the literature in individuals affected with RET-related conditions. ClinVar contains an entry for this variant (Variation ID: 1502569). An algorithm developed to predict the effect of missense changes on protein structure and function (PolyPhen-2) suggests that this variant is likely to be tolerated. In summary, the available evidence is currently insufficient to determine the role of this variant in disease. Therefore, it has been classified as a Variant of Uncertain Significance.

All of Us Research Program, National Institutes of Health
Classification: Uncertain significance for Multiple endocrine neoplasia, type 2. Last evaluated: 2023-03-28. Review status: criteria provided, single submitter. Criteria: ACMG Guidelines, 2015. Collection method: clinical testing. Allele origin: germline. Inheritance: Autosomal dominant inheritance. Observed: 1 variant allele, 1 heterozygote.
Comment: This study involves interpretation of variants in research participants for the purpose of population health screening. Participant phenotype was not available at the time of variant classification. Additional details can be found in publication PMID: 35346344, PMCID: PMC8962531